The following is an entry in ClinVar:

NM_001267550.2(TTN):c.64619C>T (p.Thr21540Ile)

Genes: TTN (titin; minus strand), TTN-AS1 (TTN antisense RNA 1; plus strand). Cytogenetic location: 2q31.2.
Variant type: single nucleotide variant.
Coding change: c.64619C>T on transcript NM_001267550.2 (MANE Select); coding-DNA position 64619, C replaced by T.
Protein change: p.Thr21540Ile; replaces threonine 21540 with isoleucine.
Molecular consequence: missense variant.
Genome position (GRCh38, 1-based): chr2:178,585,125, G>A on the plus strand (C>T on the coding strand, the complement: TTN is on the minus strand). VCF-style: chr2-178585125-G-A. GRCh37 (hg19) VCF-style: chr2-179449852-G-A.
Other names: c.59696C>T, p.Thr19899Ile (NM_001256850.1); c.37424C>T, p.Thr12475Ile (NM_003319.4); c.56915C>T, p.Thr18972Ile (NM_133378.4); c.37799C>T, p.Thr12600Ile (NM_133432.3); c.38000C>T, p.Thr12667Ile (NM_133437.4); short protein forms T12475I, T12600I, T12667I, T18972I, T19899I, T21540I.
Identifiers: ClinVar variation 1065167 (VCV001065167.1), dbSNP rs1284135964, ClinGen allele CA349438727.

ClinVar aggregate classification (germline): Uncertain significance (1 of 4 stars; one submission).

Allele frequency attached by ClinVar (database versions not stated): gnomAD exomes below 0.00001; TOPMed 0.00001.
gnomAD v4.1: 2 of 1,613,072 alleles (0.00012%); highest among the groups gnomAD compares: Admixed American, 0.0017%; no homozygotes.

Submission:

Women's Health and Genetics/Laboratory Corporation of America, LabCorp
Classification: Uncertain significance. Last evaluated: 2021-04-05. Review status: criteria provided, single submitter. Criteria: LabCorp Variant Classification Summary - May 2015. Collection method: clinical testing. Allele origin: germline.
Comment: Variant summary: TTN c.56915C>T (p.Thr18972Ile) results in a non-conservative amino acid change located in the A-band region of the encoded protein sequence. Three of five in-silico tools predict a damaging effect of the variant on protein function. The variant allele was found at a frequency of 4e-06 in 247978 control chromosomes (gnomAD). The available data on variant occurrences in the general population are insufficient to allow any conclusion about variant significance. To our knowledge, no occurrence of c.56915C>T in individuals affected with Dilated Cardiomyopathy and no experimental evidence demonstrating its impact on protein function have been reported. No clinical diagnostic laboratories have submitted clinical-significance assessments for this variant to ClinVar after 2014. Based on the evidence outlined above, the variant was classified as uncertain significance.